The following is an entry in ClinVar:

NM_001244926.2(PRPF4):c.1229A>G (p.Tyr410Cys)

Gene: PRPF4 (pre-mRNA splicing tri-snRNP complex factor PRPF4; plus strand). Cytogenetic location: 9q32.
Variant type: single nucleotide variant.
Coding change: c.1229A>G on transcript NM_001244926.2 (MANE Select); coding-DNA position 1229, A replaced by G.
Protein change: p.Tyr410Cys; replaces tyrosine 410 with cysteine.
Molecular consequence: missense variant. On other transcripts: non-coding transcript variant (2).
Genome position (GRCh38, 1-based): chr9:113,290,783, A>G. VCF-style: chr9-113290783-A-G. GRCh37 (hg19) VCF-style: chr9-116053063-A-G.
Other names: c.503A>G, p.Tyr168Cys (NM_001322266.2, NM_001322267.2); c.1232A>G, p.Tyr411Cys (NM_004697.5); short protein forms Y168C, Y411C, Y410C.
Identifiers: ClinVar variation 3696076 (VCV003696076.2).

ClinVar aggregate classification (germline): Uncertain significance (1 of 4 stars; one submission).

gnomAD v4.1: 10 of 1,614,110 alleles (0.00062%); highest among the groups gnomAD compares: East Asian, 0.0022%; no homozygotes.

Submission:

Labcorp Genetics (formerly Invitae), Labcorp
Classification: Uncertain significance. Last evaluated: 2025-07-30. Review status: criteria provided, single submitter. Criteria: Invitae Variant Classification Sherloc (09022015). Collection method: clinical testing. Allele origin: germline.
Comment: This sequence change replaces tyrosine, which is neutral and polar, with cysteine, which is neutral and slightly polar, at codon 411 of the PRPF4 protein (p.Tyr411Cys). This variant is not present in population databases (gnomAD no frequency). This variant has not been reported in the literature in individuals affected with PRPF4-related conditions. ClinVar contains an entry for this variant (Variation ID: 3696076). An algorithm developed to predict the effect of missense changes on protein structure and function (PolyPhen-2) suggests that this variant is likely to be disruptive. In summary, the available evidence is currently insufficient to determine the role of this variant in disease. Therefore, it has been classified as a Variant of Uncertain Significance.